The following is an entry in ClinVar:

NM_002184.4(IL6ST):c.2315C>T (p.Pro772Leu)

Gene: IL6ST (interleukin 6 cytokine family signal transducer; minus strand). Cytogenetic location: 5q11.2.
Variant type: single nucleotide variant.
Coding change: c.2315C>T on transcript NM_002184.4 (MANE Select); coding-DNA position 2315, C replaced by T.
Protein change: p.Pro772Leu; replaces proline 772 with leucine.
Molecular consequence: missense variant. On other transcripts: 3 prime UTR variant (1), non-coding transcript variant (2).
Genome position (GRCh38, 1-based): chr5:55,941,524, G>A on the plus strand (C>T on the coding strand, the complement: IL6ST is on the minus strand). VCF-style: chr5-55941524-G-A. GRCh37 (hg19) VCF-style: chr5-55237352-G-A.
Other names: c.2315C>T (NM_002184.3); c.2132C>T, p.Pro711Leu (NM_001190981.2); c.2213C>T, p.Pro738Leu (NM_001364275.2); c.2105C>T, p.Pro702Leu (NM_001364276.2); c.1448C>T, p.Pro483Leu (NM_001364277.2); c.1412C>T, p.Pro471Leu (NM_001364278.2); c.1319C>T, p.Pro440Leu (NM_001364279.2); c.*1242C>T (NM_175767.3); short protein forms P471L, P440L, P483L, P702L, P711L, P738L, P772L.
Identifiers: ClinVar variation 2970121 (VCV002970121.4), dbSNP rs768129650, ClinGen allele CA3271176.

ClinVar aggregate classification (germline): Uncertain significance. Review status: criteria provided, multiple submitters, no conflicts (2 of 4 stars). 2 submissions from 2 submitters: Uncertain significance (2). Last evaluated 2024-09-16.

Allele frequency attached by ClinVar (database versions not stated): gnomAD exomes 0.00001; TOPMed 0.00001; gnomAD 0.00002; ExAC 0.00003.
gnomAD v4.1: 18 of 1,614,010 alleles (0.0011%); highest among the groups gnomAD compares: Middle Eastern, 0.016%; no homozygotes.

Submissions (2):

Labcorp Genetics (formerly Invitae), Labcorp
Classification: Uncertain significance. Last evaluated: 2024-09-16. Review status: criteria provided, single submitter. Criteria: Invitae Variant Classification Sherloc (09022015). Collection method: clinical testing. Allele origin: germline.
Comment: This sequence change replaces proline, which is neutral and non-polar, with leucine, which is neutral and non-polar, at codon 772 of the IL6ST protein (p.Pro772Leu). This variant is present in population databases (rs768129650, gnomAD 0.01%). This variant has not been reported in the literature in individuals affected with IL6ST-related conditions. An algorithm developed to predict the effect of missense changes on protein structure and function (PolyPhen-2) suggests that this variant is likely to be disruptive. In summary, the available evidence is currently insufficient to determine the role of this variant in disease. Therefore, it has been classified as a Variant of Uncertain Significance.

Ambry Genetics
Classification: Uncertain significance. Last evaluated: 2024-03-31. Review status: criteria provided, single submitter. Criteria: Ambry Variant Classification Scheme 2023. Collection method: clinical testing. Allele origin: germline.